The following is an entry in ClinVar:

ClinVar aggregate classification (germline): Uncertain significance. Review status: criteria provided, multiple submitters, no conflicts (2 of 4 stars). 2 submissions from 2 submitters: Uncertain significance (2). Last evaluated 2025-12-16.

Conditions:
Inborn genetic diseases. Identifiers: MedGen C0950123, MeSH D030342.

Allele frequency attached by ClinVar (database versions not stated): gnomAD exomes below 0.00001; ExAC 0.00001; TOPMed 0.00002; gnomAD 0.00003.
gnomAD v4.1: 6 of 1,613,852 alleles (0.00037%); highest among the groups gnomAD compares: African/African-American, 0.0053%; no homozygotes.

Submissions (2):

Ambry Genetics
Classification: Uncertain significance for Inborn genetic diseases. Last evaluated: 2025-12-16. Review status: criteria provided, single submitter. Criteria: Ambry Variant Classification Scheme 2023. Collection method: clinical testing. Allele origin: germline.

Mayo Clinic Laboratories, Mayo Clinic
Classification: Uncertain significance. Last evaluated: 2022-06-14. Review status: criteria provided, single submitter. Criteria: ACMG Guidelines, 2015. Collection method: clinical testing. Allele origin: germline. Observed: 1 variant allele.
Comment: BP4

NM_000186.4(CFH):c.2896G>C (p.Asp966His)

Gene: CFH (complement factor H; plus strand). Cytogenetic location: 1q31.3.
Variant type: single nucleotide variant.
Coding change: c.2896G>C on transcript NM_000186.4 (MANE Select); coding-DNA position 2896, G replaced by C.
Protein change: p.Asp966His; replaces aspartic acid 966 with histidine.
Molecular consequence: missense variant.
Genome position (GRCh38, 1-based): chr1:196,740,732, G>C. VCF-style: chr1-196740732-G-C. GRCh37 (hg19) VCF-style: chr1-196709862-G-C.
Other names: p.Asp966His; short protein forms D966H.
Identifiers: ClinVar variation 2682689 (VCV002682689.2), dbSNP rs752629905, ClinGen allele CA1305775.